The following is an entry in ClinVar:

ClinVar aggregate classification (germline): Conflicting classifications of pathogenicity. Review status: criteria provided, conflicting classifications (1 of 4 stars). 8 submissions from 8 submitters: Uncertain significance (5); Likely benign (1). 2 of the submissions do not count toward it. Last evaluated 2025-09-14.

Conditions:
BRCA1-related cancer predisposition. Identifiers: MedGen CN377757, MONDO:0700268.
Breast-ovarian cancer, familial, susceptibility to, 1 (BROVCA1). Also called: BRCA1 Hereditary Breast and Ovarian Cancer; OVARIAN CANCER, SUSCEPTIBILITY TO. Identifiers: Orphanet 145, MedGen C2676676, MONDO:0011450, OMIM 604370. Disease mechanism: loss of function.
Familial cancer of breast. Also called: hereditary breast carcinoma; BREAST CANCER, FAMILIAL; Hereditary breast cancer. Identifiers: Orphanet 227535, MedGen C0346153, MONDO:0016419, OMIM 114480. Disease mechanism: loss of function.
Hereditary cancer-predisposing syndrome. Also called: Hereditary Cancer Syndrome; Hereditary neoplastic syndrome; Neoplastic Syndromes, Hereditary; Tumor predisposition. Identifiers: Orphanet 140162, MedGen C0027672, MeSH D009386, MONDO:0015356.
Hereditary breast ovarian cancer syndrome. Also called: BRCA1- and BRCA2-Associated Hereditary Breast and Ovarian Cancer; Hereditary breast and ovarian cancer syndrome; Hereditary breast and ovarian cancer syndrome (HBOC); Breast and ovarian cancer; Hereditary breast and/or ovarian cancer syndrome; Hereditary breast and ovarian cancer. Identifiers: Orphanet 145, MedGen C0677776, MeSH D061325, MONDO:0003582. Disease mechanism: loss of function.

Allele frequency attached by ClinVar (database versions not stated): gnomAD 0.00001; gnomAD exomes below 0.00001; TOPMed below 0.00001.
gnomAD v4.1: 2 of 1,613,668 alleles (0.00012%); highest among the groups gnomAD compares: Non-Finnish European, 0.00017%; no homozygotes.

Submissions (8):

Labcorp Genetics (formerly Invitae), Labcorp
Classification: Uncertain significance for Hereditary breast ovarian cancer syndrome. Last evaluated: 2025-09-14. Review status: criteria provided, single submitter. Criteria: Invitae Variant Classification Sherloc (09022015). Collection method: clinical testing. Allele origin: germline.
Comment: This sequence change replaces serine, which is neutral and polar, with proline, which is neutral and non-polar, at codon 1473 of the BRCA1 protein (p.Ser1473Pro). This variant is not present in population databases (gnomAD no frequency). This missense change has been observed in individual(s) with clinical features of Hereditary Breast and Ovarian Cancer Syndrome (PMID: 23613828). ClinVar contains an entry for this variant (Variation ID: 91630). Invitae Evidence Modeling of protein sequence and biophysical properties (such as structural, functional, and spatial information, amino acid conservation, physicochemical variation, residue mobility, and thermodynamic stability) indicates that this missense variant is not expected to disrupt BRCA1 protein function with a negative predictive value of 95%. Experimental studies have shown that this missense change does not substantially affect BRCA1 function (PMID: 23613828). In summary, the available evidence is currently insufficient to determine the role of this variant in disease. Therefore, it has been classified as a Variant of Uncertain Significance.

Ambry Genetics
Classification: Uncertain significance for Hereditary cancer-predisposing syndrome. Last evaluated: 2024-10-03. Review status: criteria provided, single submitter. Criteria: Ambry Variant Classification Scheme 2023. Collection method: clinical testing. Allele origin: germline.
Comment: The p.S1473P variant (also known as c.4417T>C), located in coding exon 12 of the BRCA1 gene, results from a T to C substitution at nucleotide position 4417. The serine at codon 1473 is replaced by proline, an amino acid with similar properties. In one study, this variant was reported in two families with Hereditary Breast and Ovarian Cancer syndrome; however, this variant demonstrated intact transcriptional activity comparable to the wild-type BRCA1 protein in a transcription activation assay (Quiles F et al. PLoS ONE 2013 April; 8(4):e61302). This amino acid position is well conserved in available vertebrate species. In addition, the in silico prediction for this alteration is inconclusive. Based on the available evidence, the clinical significance of this variant remains unclear.

All of Us Research Program, National Institutes of Health
Classification: Uncertain significance for BRCA1-related cancer predisposition. Last evaluated: 2024-04-25. Review status: criteria provided, single submitter. Criteria: ACMG Guidelines, 2015. Collection method: clinical testing. Allele origin: germline. Inheritance: Autosomal dominant inheritance. Observed: 1 variant allele, 1 heterozygote.
Comment: This missense variant replaces serine with proline at codon 1473 of the BRCA1 protein. Computational prediction suggests that this variant may not impact protein structure and function. A functional study has reported that this variant does not impact BRCA1 function in a transcription activation assay (PMID: 23613828). This variant has been reported in an individual suspected of hereditary breast and ovarian cancer (PMID: 23613828). A multifactorial analysis has reported family history, tumor pathology and co-segregation likelihood ratios for pathogenicity of 0.14, 0.003 and 1.195, respectively (PMID: 34597585). This variant has not been identified in the general population by the Genome Aggregation Database (gnomAD). The available evidence is insufficient to determine the role of this variant in disease conclusively. Therefore, this variant is classified as a Variant of Uncertain Significance.

This study involves interpretation of variants in research participants for the purpose of population health screening. Participant phenotype was not available at the time of variant classification. Additional details can be found in publication PMID: 35346344, PMCID: PMC8962531

Color Diagnostics, LLC DBA Color Health
Classification: Uncertain significance for Hereditary cancer-predisposing syndrome. Last evaluated: 2024-04-02. Review status: criteria provided, single submitter. Criteria: ACMG Guidelines, 2015. Collection method: clinical testing. Allele origin: germline.
Comment: This missense variant replaces serine with proline at codon 1473 of the BRCA1 protein. Computational prediction suggests that this variant may not impact protein structure and function. A functional study has reported that this variant does not impact BRCA1 function in a transcription activation assay (PMID: 23613828). This variant has been reported in an individual suspected of hereditary breast and ovarian cancer (PMID: 23613828). A multifactorial analysis has reported family history, tumor pathology and co-segregation likelihood ratios for pathogenicity of 0.14, 0.003 and 1.195, respectively (PMID: 34597585). This variant has not been identified in the general population by the Genome Aggregation Database (gnomAD). The available evidence is insufficient to determine the role of this variant in disease conclusively. Therefore, this variant is classified as a Variant of Uncertain Significance.

MGZ Medical Genetics Center
Classification: Likely benign for Familial cancer of breast. Last evaluated: 2024-02-09. Review status: criteria provided, single submitter. Criteria: CSpec BRCA1/2ACMG Rules Specifications V1.1.0. Collection method: clinical testing. Allele origin: germline. Affected: yes.
Comment: ACMG codes applied following ENIGMA VCEP rules: BP1_STR, PM2_SUP

GeneDx
Classification: Uncertain significance. Last evaluated: 2019-12-16. Review status: criteria provided, single submitter. Criteria: GeneDx Variant Classification Process June 2021. Collection method: clinical testing. Allele origin: germline. Affected: yes.
Comment: Observed in individuals suspected of Hereditary Breast and Ovarian Cancer Syndrome (Quiles 2013); Published functional studies demonstrate no damaging effect: Transcriptional activation activity similar to wild-type (Quiles 2013); Not observed in large population cohorts (Lek 2016); In silico analysis, which includes protein predictors and evolutionary conservation, supports that this variant does not alter protein structure/function; Also known as c.4536T>C; This variant is associated with the following publications: (PMID: 23613828)

Counsyl
Classification: Uncertain significance for Breast-ovarian cancer, familial, susceptibility to, 1. Last evaluated: 2017-05-02. Review status: no assertion criteria provided. Collection method: clinical testing. Allele origin: unknown. Not counted in ClinVar's aggregate classification.

Sharing Clinical Reports Project (SCRP)
Classification: Uncertain significance for Breast-ovarian cancer, familial 1. Last evaluated: 2011-07-30. Review status: no assertion criteria provided. Collection method: clinical testing. Allele origin: germline. Not counted in ClinVar's aggregate classification.

Literature cited by the submitters: PubMed 23613828 (cited by 5 submitters); PubMed 25348012 (cited by Ambry Genetics); PubMed 25643705 (cited by Ambry Genetics); PubMed 34597585 (cited by All of Us Research Program, National Institutes of Health and Color Diagnostics, LLC DBA Color Health).

NM_007294.4(BRCA1):c.4417T>C (p.Ser1473Pro)

Gene: BRCA1 (BRCA1 DNA repair associated; minus strand). Cytogenetic location: 17q21.31.
Variant type: single nucleotide variant.
Coding change: c.4417T>C on transcript NM_007294.4 (MANE Select); coding-DNA position 4417, T replaced by C.
Protein change: p.Ser1473Pro; replaces serine 1473 with proline.
Molecular consequence: missense variant. On other transcripts: non-coding transcript variant (1).
Genome position (GRCh38, 1-based): chr17:43,076,555, A>G on the plus strand (T>C on the coding strand, the complement: BRCA1 is on the minus strand). VCF-style: chr17-43076555-A-G. GRCh37 (hg19) VCF-style: chr17-41228572-A-G.
Other names: 4536T>C; c.4294T>C, p.Ser1432Pro (NM_001407937.1, NM_001407938.1, NM_001407664.1 and 6 more transcripts); c.4291T>C, p.Ser1431Pro (NM_001407939.1, NM_001407940.1, NM_001407670.1 and 11 more transcripts); c.4288T>C, p.Ser1430Pro (NM_001407941.1, NM_001407681.1, NM_001407682.1 and 6 more transcripts); c.4276T>C, p.Ser1426Pro (NM_001407942.1, NM_001407726.1, NM_001407727.1 and 13 more transcripts); c.4273T>C, p.Ser1425Pro (NM_001407943.1, NM_001407944.1, NM_001407945.1 and 21 more transcripts); c.4084T>C, p.Ser1362Pro (NM_001407946.1, NM_001407947.1, NM_001407948.1 and 1 more transcripts); c.4270T>C, p.Ser1424Pro (NM_001407838.1, NM_001407839.1, NM_001407850.1 and 12 more transcripts); and 69 more; short protein forms S1473P, S1426P, S1494P, S369P, S1360P, S1362P, S1383P, S1472P.
Identifiers: ClinVar variation 91630 (VCV000091630.25), dbSNP rs398122686, ClinGen allele CA002842.